The following is an entry in ClinVar:

ClinVar aggregate classification (germline): Uncertain significance (1 of 4 stars; one submission).

Conditions:
Charcot-Marie-Tooth disease type 2. Also called: Charcot-Marie-Tooth type 2. Identifiers: Orphanet 64746, MedGen C0270914, MONDO:0018993.

Allele frequency attached by ClinVar (database versions not stated): gnomAD exomes 0.00001 and below 0.00001; gnomAD 0.00001; TOPMed 0.00001.

Submission:

Labcorp Genetics (formerly Invitae), Labcorp
Classification: Uncertain significance for Charcot-Marie-Tooth disease type 2. Last evaluated: 2025-01-22. Review status: criteria provided, single submitter. Criteria: Invitae Variant Classification Sherloc (09022015). Collection method: clinical testing. Allele origin: germline.
Comment: This sequence change replaces tyrosine, which is neutral and polar, with cysteine, which is neutral and slightly polar, at codon 641 of the MFN2 protein (p.Tyr641Cys). This variant is present in population databases (no rsID available, gnomAD 0.004%). This variant has not been reported in the literature in individuals affected with MFN2-related conditions. ClinVar contains an entry for this variant (Variation ID: 1403191). Invitae Evidence Modeling of protein sequence and biophysical properties (such as structural, functional, and spatial information, amino acid conservation, physicochemical variation, residue mobility, and thermodynamic stability) indicates that this missense variant is expected to disrupt MFN2 protein function with a positive predictive value of 95%. In summary, the available evidence is currently insufficient to determine the role of this variant in disease. Therefore, it has been classified as a Variant of Uncertain Significance.

NM_014874.4(MFN2):c.1922A>G (p.Tyr641Cys)

Gene: MFN2 (mitofusin 2; plus strand). Cytogenetic location: 1p36.22.
Variant type: single nucleotide variant.
Coding change: c.1922A>G on transcript NM_014874.4 (MANE Select); coding-DNA position 1922, A replaced by G.
Protein change: p.Tyr641Cys; replaces tyrosine 641 with cysteine.
Molecular consequence: missense variant.
Genome position (GRCh38, 1-based): chr1:12,007,102, A>G. VCF-style: chr1-12007102-A-G. GRCh37 (hg19) VCF-style: chr1-12067159-A-G.
Other names: c.1922A>G, p.Tyr641Cys (NM_001127660.2); short protein forms Y641C.
Identifiers: ClinVar variation 1403191 (VCV001403191.8), dbSNP rs866276988, ClinGen allele CA18013529.